The following is an entry in ClinVar:

NM_004260.4(RECQL4):c.3303G>A (p.Lys1101=)

Gene: RECQL4 (RecQ like helicase 4; minus strand). Cytogenetic location: 8q24.3.
Variant type: single nucleotide variant.
Coding change: c.3303G>A on transcript NM_004260.4 (MANE Select); coding-DNA position 3303, G replaced by A.
Protein change: p.Lys1101=; no amino-acid change (lysine 1101 retained).
Molecular consequence: synonymous variant.
Genome position (GRCh38, 1-based): chr8:144,512,001, C>T on the plus strand (G>A on the coding strand, the complement: RECQL4 is on the minus strand). VCF-style: chr8-144512001-C-T. GRCh37 (hg19) VCF-style: chr8-145737384-C-T.
Identifiers: ClinVar variation 529100 (VCV000529100.11), dbSNP rs771528925, ClinGen allele CA4947824.

ClinVar aggregate classification (germline): Likely benign. Review status: criteria provided, single submitter (1 of 4 stars). 2 submissions from 2 submitters: Likely benign (1). 1 of the submissions does not count toward it. Last evaluated 2025-05-04.

Conditions:
RECQL4-related disorder. Also called: RECQL4-related disorders; RECQL4-related condition.
Baller-Gerold syndrome (BGS). Also called: CRANIOSYNOSTOSIS WITH RADIAL DEFECTS. Identifiers: Orphanet 1225, MedGen C0265308, MONDO:0009039, OMIM 218600.

Allele frequency attached by ClinVar (database versions not stated): TOPMed below 0.00001; ExAC 0.00001; gnomAD exomes 0.00002.

Submissions (2):

Labcorp Genetics (formerly Invitae), Labcorp
Classification: Likely benign for Baller-Gerold syndrome. Last evaluated: 2025-05-04. Review status: criteria provided, single submitter. Criteria: Invitae Variant Classification Sherloc (09022015). Collection method: clinical testing. Allele origin: germline.

PreventionGenetics, part of Exact Sciences
Classification: Likely benign for RECQL4-related condition. Last evaluated: 2023-10-25. Review status: no assertion criteria provided. Collection method: clinical testing. Allele origin: germline. Not counted in ClinVar's aggregate classification.
Comment: This variant is classified as likely benign based on ACMG/AMP sequence variant interpretation guidelines (Richards et al. 2015 PMID: 25741868, with internal and published modifications).